The following is an entry in ClinVar:

NM_024685.4(BBS10):c.1399del (p.Arg467fs)

Gene: BBS10 (Bardet-Biedl syndrome 10; minus strand). Cytogenetic location: 12q21.2.
Variant type: Deletion.
Coding change: c.1399del on transcript NM_024685.4 (MANE Select); coding-DNA position 1399, one base deleted (A; older notation c.1399delA).
Protein change: p.Arg467fs; shifts the reading frame from arginine 467.
Molecular consequence: frameshift variant.
Genome position (GRCh38, 1-based): chr12:76,346,586, T deleted on the plus strand (A on the coding strand, the reverse complement: BBS10 is on the minus strand); the first of 3 consecutive T bases (chr12:76,346,586-76,346,588); deleting any one gives the same sequence. VCF-style (leftmost placement, unchanged base first): chr12-76346585-CT-C. GRCh37 (hg19) VCF-style: chr12-76740365-CT-C.
Other names: c.1399delA (NM_024685.3); short protein forms R467fs.
Identifiers: ClinVar variation 3015365 (VCV003015365.5), dbSNP rs2540955771, ClinGen allele CA912974186.
Genomic context (GRCh38, chr12:76,346,585, plus strand): 5'-AAATATGTTTGAGTTTTTTCCAATGCATCTTTGTTCTCTGCAACTGTGTCCTGATAAGGC[CT>C]TTGTATTGAGCCATTACCAGGATCTGGTGCTTGATAACTTTCTCCACTGTTCTTATAAAT-3'

ClinVar aggregate classification (germline): Pathogenic/Likely pathogenic. Review status: criteria provided, multiple submitters, no conflicts (2 of 4 stars). 2 submissions from 2 submitters: Pathogenic (1); Likely pathogenic (1). Last evaluated 2025-10-27.

Conditions:
Bardet-Biedl syndrome 10 (BBS10). Identifiers: Orphanet 110, MedGen C1859568, MONDO:0014438, OMIM 615987.
Bardet-Biedl syndrome (BBS). Identifiers: Orphanet 110, MedGen C0752166, MONDO:0015229.

Submissions (2):

Natera, Inc.
Classification: Likely pathogenic for Bardet-Biedl syndrome type 10. Last evaluated: 2025-10-27. Review status: criteria provided, single submitter. Criteria: Natera Variant Classification Schema (03/2026). Collection method: clinical testing. Allele origin: germline.
Comment: The c.1399delA variant in BBS10 is a frameshift variant predicted to shift the reading frame beginning at codon 467 and leads to a stop codon 21 codons downstream. This variant is expected to result in nonsense mediated decay, truncation, or a dysfunctional protein product. This variant is rare in the general population with a frequency below the threshold expected for the associated phenotype(s). This variant has been observed in one or more individuals affected with the associated recessive disease, as either homozygous or compound heterozygous with a second variant (PMID: 37798099). Given the available evidence, this variant is classified as Likely Pathogenic.

Labcorp Genetics (formerly Invitae), Labcorp
Classification: Pathogenic for Bardet-Biedl syndrome. Last evaluated: 2024-01-11. Review status: criteria provided, single submitter. Criteria: Invitae Variant Classification Sherloc (09022015). Collection method: clinical testing. Allele origin: germline.
Comment: This sequence change creates a premature translational stop signal (p.Arg467Glyfs*21) in the BBS10 gene. While this is not anticipated to result in nonsense mediated decay, it is expected to disrupt the last 257 amino acid(s) of the BBS10 protein. This variant is not present in population databases (gnomAD no frequency). This variant has not been reported in the literature in individuals affected with BBS10-related conditions. This variant disrupts a region of the BBS10 protein in which other variant(s) (p.Val707*) have been determined to be pathogenic (PMID: 20472660, 22773737, 25982971, 27486776). This suggests that this is a clinically significant region of the protein, and that variants that disrupt it are likely to be disease-causing. For these reasons, this variant has been classified as Pathogenic.

Literature cited by the submitters: PubMed 37798099 (cited by Natera, Inc.); PubMed 20472660 (cited by Labcorp Genetics (formerly Invitae), Labcorp); PubMed 22773737 (cited by Labcorp Genetics (formerly Invitae), Labcorp); PubMed 25982971 (cited by Labcorp Genetics (formerly Invitae), Labcorp); PubMed 27486776 (cited by Labcorp Genetics (formerly Invitae), Labcorp).